The following is an entry in ClinVar:

NM_033453.4(ITPA):c.388C>T (p.Arg130Cys)

Genes: ITPA (inosine triphosphatase; plus strand), LOC130065322 (ATAC-STARR-seq lymphoblastoid silent region 12615; plus strand). Cytogenetic location: 20p13.
Variant type: single nucleotide variant.
Coding change: c.388C>T on transcript NM_033453.4 (MANE Select); coding-DNA position 388, C replaced by T.
Protein change: p.Arg130Cys; replaces arginine 130 with cysteine.
Molecular consequence: missense variant. On other transcripts: synonymous variant (4), non-coding transcript variant (2).
Genome position (GRCh38, 1-based): chr20:3,218,609, C>T. VCF-style: chr20-3218609-C-T. GRCh37 (hg19) VCF-style: chr20-3199255-C-T.
Other names: c.265C>T, p.Arg89Cys (NM_001267623.2); c.51C>T, p.Cys17= (NM_001324236.2, NM_001324237.2, NM_001324238.2 and 1 more transcripts); c.388C>T, p.Arg130Cys (NM_001324240.2); c.337C>T, p.Arg113Cys (NM_181493.4); short protein forms R130C, R113C, R89C.
Identifiers: ClinVar variation 533423 (VCV000533423.1), dbSNP rs578227905, ClinGen allele CA9741282.
Genomic context (GRCh38, chr20:3,218,609, plus strand): 5'-AAGTCAGCCTATGCGCTCTGCACGTTTGCACTCAGCACCGGGGACCCAAGCCAGCCCGTG[C>T]GCCTGTTCAGGGGCCGGACCTCGGTGCGTACCCACCTTGATGCAGTTCCCGCCGCGCGCC-3'
Protein context (NP_258412.1, residues 120-140): LSTGDPSQPV[Arg130Cys]LFRGRTSGRI

ClinVar aggregate classification (germline): Uncertain significance (1 of 4 stars; one submission).

Conditions:
Inosine triphosphatase deficiency. Also called: INOSINE TRIPHOSPHATE PYROPHOSPHOHYDROLASE DEFICIENCY. Identifiers: MedGen C0342800, MONDO:0013461, OMIM 613850.

Allele frequency attached by ClinVar (database versions not stated): gnomAD exomes below 0.00001; ExAC 0.00001; gnomAD 0.00001; 1000 Genomes Project 30x 0.00016; 1000 Genomes Project 0.00020.

Submission:

Labcorp Genetics (formerly Invitae), Labcorp
Classification: Uncertain significance for Inosine triphosphatase deficiency. Last evaluated: 2017-12-27. Review status: criteria provided, single submitter. Criteria: Invitae Variant Classification Sherloc (09022015). Collection method: clinical testing. Allele origin: germline.
Comment: This sequence change replaces arginine with cysteine at codon 130 of the ITPA protein (p.Arg130Cys). The arginine residue is weakly conserved and there is a large physicochemical difference between arginine and cysteine. This variant is present in population databases (rs578227905, ExAC 0.009%). This variant has not been reported in the literature in individuals with ITPA-related disease. Algorithms developed to predict the effect of missense changes on protein structure and function do not agree on the potential impact of this missense change (SIFT: "Deleterious"; PolyPhen-2: "Possibly Damaging"; Align-GVGD: "Class C0"). In summary, the available evidence is currently insufficient to determine the role of this variant in disease. Therefore, it has been classified as a Variant of Uncertain Significance.